The following is an entry in ClinVar:

NM_021076.4(NEFH):c.506T>A (p.Leu169Gln)

Gene: NEFH (neurofilament heavy chain; plus strand). Cytogenetic location: 22q12.2.
Variant type: single nucleotide variant.
Coding change: c.506T>A on transcript NM_021076.4 (MANE Select); coding-DNA position 506, T replaced by A.
Protein change: p.Leu169Gln; replaces leucine 169 with glutamine.
Molecular consequence: missense variant.
Genome position (GRCh38, 1-based): chr22:29,480,768, T>A. VCF-style: chr22-29480768-T-A. GRCh37 (hg19) VCF-style: chr22-29876757-T-A.
Other names: short protein forms L169Q.
Identifiers: ClinVar variation 4704286 (VCV004704286.1).

ClinVar aggregate classification (germline): Uncertain significance (1 of 4 stars; one submission).

gnomAD v4.1: 5 of 1,444,648 alleles (0.00035%); highest among the groups gnomAD compares: Non-Finnish European, 0.00036%; no homozygotes.

Submission:

Labcorp Genetics (formerly Invitae), Labcorp
Classification: Uncertain significance. Last evaluated: 2025-12-15. Review status: criteria provided, single submitter. Criteria: Invitae Variant Classification Sherloc (09022015). Collection method: clinical testing. Allele origin: germline.
Comment: This sequence change replaces leucine, which is neutral and non-polar, with glutamine, which is neutral and polar, at codon 169 of the NEFH protein (p.Leu169Gln). The frequency data for this variant in the population databases is considered unreliable, as metrics indicate poor data quality at this position in the gnomAD database. This variant has not been reported in the literature in individuals affected with NEFH-related conditions. Invitae Evidence Modeling of protein sequence and biophysical properties (such as structural, functional, and spatial information, amino acid conservation, physicochemical variation, residue mobility, and thermodynamic stability) indicates that this missense variant is not expected to disrupt NEFH protein function with a negative predictive value of 95%. In summary, the available evidence is currently insufficient to determine the role of this variant in disease. Therefore, it has been classified as a Variant of Uncertain Significance.